The following is an entry in ClinVar:

ClinVar aggregate classification (germline): Uncertain significance (1 of 4 stars; one submission).

Submission:

GeneDx
Classification: Uncertain significance. Last evaluated: 2026-01-24. Review status: criteria provided, single submitter. Criteria: GeneDx Variant Classification Process June 2021. Collection method: clinical testing. Allele origin: germline.
Comment: Not observed at significant frequency in large population cohorts (gnomAD); In silico analysis supports that this missense variant has a deleterious effect on protein structure/function; Has not been previously published as pathogenic or benign to our knowledge

NM_015030.2(FRYL):c.4384C>T (p.Pro1462Ser)

Gene: FRYL (FRY like transcription coactivator; minus strand). Cytogenetic location: 4p11.
Variant type: single nucleotide variant.
Coding change: c.4384C>T on transcript NM_015030.2 (MANE Select); coding-DNA position 4384, C replaced by T.
Protein change: p.Pro1462Ser; replaces proline 1462 with serine.
Molecular consequence: missense variant.
Genome position (GRCh38, 1-based): chr4:48,553,266, G>A on the plus strand (C>T on the coding strand, the complement: FRYL is on the minus strand). VCF-style: chr4-48553266-G-A. GRCh37 (hg19) VCF-style: chr4-48555283-G-A.
Other names: short protein forms P1462S.
Identifiers: ClinVar variation 4975458 (VCV004975458.1).
Genomic context (GRCh38, chr4:48,553,266, plus strand): 5'-ATTTCTCACCTGAGGTGACAGAAGGGATTTTATAGCTGGAAGTGATGCGATAATACGGGG[G>A]ATTATCCATGTGAGTGACCCCTGAACTGACAGGATCGGTCAGCTGAAGCTCACTCACCAG-3'
Protein context (NP_055845.1, residues 1452-1472): VSSGVTHMDN[Pro1462Ser]PYYRITSSYK